The following is an entry in ClinVar:

ClinVar aggregate classification (germline): Conflicting classifications of pathogenicity. Review status: criteria provided, conflicting classifications (1 of 4 stars). 11 submissions from 10 submitters: Uncertain significance (9); Likely benign (1). 1 of the submissions does not count toward it. Last evaluated 2026-05-07.

Conditions:
Hereditary cancer-predisposing syndrome. Also called: Neoplastic Syndromes, Hereditary; Hereditary Cancer Syndrome; Tumor predisposition; Hereditary neoplastic syndrome. Identifiers: Orphanet 140162, MedGen C0027672, MeSH D009386, MONDO:0015356.
Cardiovascular phenotype. Identifiers: MedGen CN230736.
NF1-related disorder. Also called: NF1-related condition. Identifiers: MedGen CN379171.
Neurofibromatosis-Noonan syndrome (NFNS). Also called: NEUROFIBROMATOSIS WITH NOONAN PHENOTYPE. Identifiers: Orphanet 638, MedGen C2931482, MONDO:0011035, OMIM 601321. Disease mechanism: loss of function.
Neurofibromatosis, type 1 (NF1). Also called: VON RECKLINGHAUSEN DISEASE; Peripheral type neurofibromatosis; NEUROFIBROMATOSIS, TYPE I, SOMATIC; Neurofibromatosis, type I. Identifiers: Orphanet 636, MedGen C0027831, MONDO:0018975, OMIM 162200. Disease mechanism: loss of function.
Juvenile myelomonocytic leukemia (JMML). Also called: LEUKEMIA, JUVENILE MYELOMONOCYTIC, SOMATIC. Identifiers: Orphanet 86834, MedGen C0349639, MONDO:0011908, OMIM 607785, HP:0012209.
Neurofibromatosis, familial spinal (FSNF). Identifiers: Orphanet 636, MedGen C1834235, MONDO:0008078, OMIM 162210. Disease mechanism: loss of function.
Café-au-lait macules with pulmonary stenosis (WTSN). Also called: PULMONIC STENOSIS WITH CAFE-AU-LAIT SPOTS. Identifiers: MedGen C0553586, MONDO:0008672, OMIM 193520.

Allele frequency attached by ClinVar (database versions not stated): TOPMed 0.00001; gnomAD exomes 0.00002; ExAC 0.00003.

Submissions (11):

PreventionGenetics, part of Exact Sciences
Classification: Uncertain significance for NF1-related condition. Last evaluated: 2026-05-07. Review status: criteria provided, single submitter. Criteria: ACMG Guidelines, 2015. Collection method: clinical testing. Allele origin: germline.
Comment: The NF1 c.4357G>A variant is predicted to result in the amino acid substitution p.Val1453Ile. This variant was reported as a variant of uncertain significance in a study of hereditary cancer predisposition genes (Table S5, Tsaousis et al. 2019. PubMed ID: 31159747). This variant is reported in 0.0038% of alleles in individuals of European (Non-Finnish) descent in gnomAD and has conflicting interpretations of uncertain significance and likely benign in ClinVar (Variation ID: 229695). Although we suspect that this variant may be benign, at this time, the clinical significance of this variant is uncertain due to the absence of conclusive functional and genetic evidence.

Labcorp Genetics (formerly Invitae), Labcorp
Classification: Likely benign for Neurofibromatosis, type 1. Last evaluated: 2026-01-20. Review status: criteria provided, single submitter. Criteria: Invitae Variant Classification Sherloc (09022015). Collection method: clinical testing. Allele origin: germline.

Clinical Genomics Laboratory, Washington University in St. Louis
Classification: Uncertain significance for Neurofibromatosis-Noonan syndrome; Neurofibromatosis, type 1. Last evaluated: 2025-10-17. Review status: criteria provided, single submitter. Criteria: ACMG Guidelines, 2015. Collection method: clinical testing. Allele origin: germline.
Comment: An NF1 c.4357G>A (p.Val1453Ile) variant was identified at a near heterozygous allelic fraction of 43.8%, a frequency which may be consistent with it being of germline origin. This variant, to our knowledge, has not been reported in the medical literature in patients with isolated lymphatic malformation but has been reported in individuals with Neurofibromatosis, type 1, of which lymphangioma may be a feature (Tsaousis GN et al., PMID: 31159747; De Luca A et al., PMID: 16380919). This variant has been reported in the ClinVar database as a germline variant of uncertain significance by seven submitters and likely benign by one submitter (Variation ID: 229695). It is observed on 35/1,601,962 alleles in the general population (gnomAD v4.1.0). This variant resides within a region, GTPase-activating protein (GAP)-related domain (GRD) of NF1 that is defined as a critical functional domain (Neira JL et al., PMID: 33476564). The NF1 gene is a gene that has a low rate of benign missense variation and where pathogenic missense variants are a common mechanism of disease. Due to limited information, and based on ACMG/AMP guidelines for variant interpretation (Richards S et al., PMID: 25741868), the clinical significance of this variant is uncertain at this time.

Ambry Genetics
Classification: Uncertain significance for Cardiovascular phenotype; Hereditary cancer-predisposing syndrome. Last evaluated: 2025-01-22. Review status: criteria provided, single submitter. Criteria: Ambry Variant Classification Scheme 2023. Collection method: clinical testing. Allele origin: germline.

Fulgent Genetics
Classification: Uncertain significance for Neurofibromatosis, type 1; Neurofibromatosis, familial spinal; Café-au-lait macules with pulmonary stenosis; Neurofibromatosis-Noonan syndrome; Juvenile myelomonocytic leukemia. Last evaluated: 2024-04-23. Review status: criteria provided, single submitter. Criteria: ACMG Guidelines, 2015. Collection method: clinical testing. Allele origin: germline.

GeneDx
Classification: Uncertain significance. Last evaluated: 2023-07-20. Review status: criteria provided, single submitter. Criteria: GeneDx Variant Classification Process June 2021. Collection method: clinical testing. Allele origin: germline. Affected: yes.
Comment: In silico analysis supports that this missense variant does not alter protein structure/function; In silico analysis is inconclusive as to whether the variant alters gene splicing. In the absence of RNA/functional studies, the actual effect of this sequence change is unknown.; Observed in an individual with a personal or family history of breast and/or ovarian cancer (Tsaousis et al., 2019); This variant is associated with the following publications: (PMID: 25486365, 22807134, 31159747, Martorana2022[CaseReport])

Genome-Nilou Lab
Classification: Uncertain significance for Neurofibromatosis, type 1. Last evaluated: 2022-03-15. Review status: criteria provided, single submitter. Criteria: ACMG Guidelines, 2015. Collection method: clinical testing. Allele origin: germline. Affected: no.

CeGaT Center for Human Genetics Tuebingen
Classification: Uncertain significance. Last evaluated: 2021-11-01. Review status: criteria provided, single submitter. Criteria: CeGaT Center For Human Genetics Tuebingen Variant Classification Criteria Version 2. Collection method: clinical testing. Allele origin: germline. Affected: yes. Observed: 1 variant allele.

GeneKor MSA
Classification: Uncertain significance for Hereditary cancer-predisposing syndrome. Last evaluated: 2018-08-01. Review status: criteria provided, single submitter. Criteria: ACMG Guidelines, 2015. Collection method: clinical testing. Allele origin: germline. Affected: yes.

Ambry Genetics
Classification: Uncertain significance for Hereditary cancer-predisposing syndrome. Last evaluated: 2016-02-07. Review status: criteria provided, single submitter. Criteria: Ambry Autosomal Dominant and X-Linked criteria (10/2015). Collection method: clinical testing. Allele origin: germline. Observed: 1 variant allele.
Comment: Ã¢â‚¬â€¹<span style="background-color:initial">Thep.V1453I<span style="background-color:initial"> variant (also known as c.4357G>A), located in coding exon 33 of theNF1<span style="background-color:initial"> gene, results from a G to A substitution at nucleotide position 4357. The valine at codon 1453 is replaced by isoleucine, an amino acid with highly similar properties. This variant was not reported in population based cohorts in the following databases: Database of Single Nucleotide Polymorphisms (dbSNP), NHLBI Exome Sequencing Project (ESP), and 1000 Genomes Project. In the ESP, this variant was not observed in 6501 samples (13002 alleles) with coverage at this position. To date, this alteration has been detected with an allele frequency of approximately 0.001% (greater than 110000 alleles tested) in our clinical cohort. This amino acid position is highly conserved in available vertebrate species. In addition, this alteration is predicted to be benign yet deleterious by PolyPhen and SIFTin silico<span style="background-color:initial"> analyses, respectively. Since supporting evidence is limited at this time, the clinical significance of p.V1453I remains unclear.

Medical Genetics, University of Parma
Classification: Likely pathogenic for Neurofibromatosis, type 1. Last evaluated: 2022-08-17. Review status: flagged submission. Criteria: ACMG Guidelines, 2015. Collection method: clinical testing. Allele origin: germline. Inheritance: Autosomal dominant inheritance. Affected: yes. Not counted in ClinVar's aggregate classification.
ClinVar note: Reason: Outlier claim with insufficient supporting evidence

Literature cited by the submitters: uncertain (cited by Clinical Genomics Laboratory, Washington University in St. Louis).

NM_001042492.3(NF1):c.4357G>A (p.Val1453Ile)

Gene: NF1 (neurofibromin 1; plus strand). Cytogenetic location: 17q11.2.
Variant type: single nucleotide variant.
Coding change: c.4357G>A on transcript NM_001042492.3 (MANE Select); coding-DNA position 4357, G replaced by A.
Protein change: p.Val1453Ile; replaces valine 1453 with isoleucine.
Molecular consequence: missense variant.
Genome position (GRCh38, 1-based): chr17:31,259,056, G>A. VCF-style: chr17-31259056-G-A. GRCh37 (hg19) VCF-style: chr17-29586074-G-A.
Other names: c.4294G>A, p.Val1432Ile (NM_000267.4); short protein forms V1432I, V1453I.
Identifiers: ClinVar variation 229695 (VCV000229695.53), dbSNP rs199474755, ClinGen allele CA8486399.